The following is an entry in ClinVar:

NM_012062.5(DNM1L):c.191_196del (p.Ile64_Gln66delinsLys)

Gene: DNM1L (dynamin 1 like; plus strand). Cytogenetic location: 12p11.21.
Variant type: Deletion.
Coding change: c.191_196del on transcript NM_012062.5 (MANE Select); coding-DNA positions 191 to 196, 6 bases deleted (TTCTGC; older notation c.191_196delTTCTGC).
Protein change: p.Ile64_Gln66delinsLys.
Molecular consequence: inframe indel. On other transcripts: 5 prime UTR variant (1).
Genome position (GRCh38, 1-based): chr12:32,701,503-32,701,508, TTCTGC deleted. VCF-style (leftmost placement, unchanged base first): chr12-32701502-ATTCTGC-A. GRCh37 (hg19) VCF-style: chr12-32854436-ATTCTGC-A.
Other names: c.191_196del, p.Ile64_Gln66delinsLys (NM_001278463.2, NM_001278464.2, NM_001278465.2 and 3 more transcripts); c.-15_-10del (NM_001278466.2).
Identifiers: ClinVar variation 4717631 (VCV004717631.1).

ClinVar aggregate classification (germline): Uncertain significance (1 of 4 stars; one submission).

Submission:

Labcorp Genetics (formerly Invitae), Labcorp
Classification: Uncertain significance. Last evaluated: 2025-04-17. Review status: criteria provided, single submitter. Criteria: Invitae Variant Classification Sherloc (09022015). Collection method: clinical testing. Allele origin: germline.
Comment: This variant, c.191_196del, is a complex sequence change that results in the deletion of 3 and insertion of 1 amino acid(s) in the DNM1L protein (p.Ile64_Gln66delinsLys). This variant is not present in population databases (gnomAD no frequency). This variant has not been reported in the literature in individuals affected with DNM1L-related conditions. Experimental studies and prediction algorithms are not available or were not evaluated, and the functional significance of this variant is currently unknown. In summary, the available evidence is currently insufficient to determine the role of this variant in disease. Therefore, it has been classified as a Variant of Uncertain Significance.